The following is an entry in ClinVar:

ClinVar aggregate classification (germline): Uncertain significance (1 of 4 stars; one submission).

Submission:

Greenwood Genetic Center Diagnostic Laboratories, Greenwood Genetic Center
Classification: Uncertain significance. Last evaluated: 2022-11-22. Review status: criteria provided, single submitter. Criteria: ACMG Guidelines, 2015. Collection method: clinical testing. Allele origin: germline. Affected: yes.
Comment: Gene of Uncertain Significance

NM_031454.2(SELENOO):c.441G>C (p.Gln147His)

Genes: SELENOO (selenoprotein O; plus strand), LOC130067823 (ATAC-STARR-seq lymphoblastoid silent region 13957; plus strand). Cytogenetic location: 22q13.33.
Variant type: single nucleotide variant.
Coding change: c.441G>C on transcript NM_031454.2 (MANE Select); coding-DNA position 441, G replaced by C.
Protein change: p.Gln147His; replaces glutamine 147 with histidine.
Molecular consequence: missense variant.
Genome position (GRCh38, 1-based): chr22:50,201,477, G>C. VCF-style: chr22-50201477-G-C. GRCh37 (hg19) VCF-style: chr22-50639906-G-C.
Other names: short protein forms Q147H.
Identifiers: ClinVar variation 2429004 (VCV002429004.4), dbSNP rs1381282904, ClinGen allele CA412141017.